The following is an entry in ClinVar:

ClinVar aggregate classification (germline): Uncertain significance (1 of 4 stars; one submission).

gnomAD v4.1: 27 of 1,612,040 alleles (0.0017%); highest among the groups gnomAD compares: East Asian, 0.0045%; no homozygotes.

Submission:

Mayo Clinic Laboratories, Mayo Clinic
Classification: Uncertain significance. Last evaluated: 2025-08-14. Review status: criteria provided, single submitter. Criteria: ACMG Guidelines, 2015. Collection method: clinical testing. Allele origin: germline. Observed: 1 variant allele.
Comment: BP4, PM2_supporting

NM_003047.5(SLC9A1):c.2054C>T (p.Thr685Met)

Gene: SLC9A1 (solute carrier family 9 member A1; minus strand). Cytogenetic location: 1p36.11.
Variant type: single nucleotide variant.
Coding change: c.2054C>T on transcript NM_003047.5 (MANE Select); coding-DNA position 2054, C replaced by T.
Protein change: p.Thr685Met; replaces threonine 685 with methionine.
Molecular consequence: missense variant. On other transcripts: non-coding transcript variant (1).
Genome position (GRCh38, 1-based): chr1:27,101,259, G>A on the plus strand (C>T on the coding strand, the complement: SLC9A1 is on the minus strand). VCF-style: chr1-27101259-G-A. GRCh37 (hg19) VCF-style: chr1-27427750-G-A.
Other names: p.Thr685Met; short protein forms T685M.
Identifiers: ClinVar variation 4540939 (VCV004540939.1).